The following is an entry in ClinVar:

NM_001376.5(DYNC1H1):c.4222C>G (p.Leu1408Val)

Gene: DYNC1H1 (dynein cytoplasmic 1 heavy chain 1; plus strand). Cytogenetic location: 14q32.31.
Variant type: single nucleotide variant.
Coding change: c.4222C>G on transcript NM_001376.5 (MANE Select); coding-DNA position 4222, C replaced by G.
Protein change: p.Leu1408Val; replaces leucine 1408 with valine.
Molecular consequence: missense variant.
Genome position (GRCh38, 1-based): chr14:102,001,181, C>G. VCF-style: chr14-102001181-C-G. GRCh37 (hg19) VCF-style: chr14-102467518-C-G.
Other names: short protein forms L1408V.
Identifiers: ClinVar variation 2187875 (VCV002187875.4), dbSNP rs2503730089, ClinGen allele CA391040108.

ClinVar aggregate classification (germline): Uncertain significance (1 of 4 stars; one submission).

Conditions:
Charcot-Marie-Tooth disease axonal type 2O. Also called: Charcot-Marie-Tooth disease, axonal, type 20; CHARCOT-MARIE-TOOTH NEUROPATHY, AXONAL, TYPE 2O; CHARCOT-MARIE-TOOTH DISEASE, AXONAL, AUTOSOMAL DOMINANT, TYPE 2O; Charcot-Marie-Tooth Neuropathy Type 2O. Identifiers: Orphanet 284232, MedGen C3280220, MONDO:0013644, OMIM 614228.

Submission:

Labcorp Genetics (formerly Invitae), Labcorp
Classification: Uncertain significance for Charcot-Marie-Tooth disease axonal type 2O. Last evaluated: 2022-12-09. Review status: criteria provided, single submitter. Criteria: Invitae Variant Classification Sherloc (09022015). Collection method: clinical testing. Allele origin: germline.
Comment: In summary, the available evidence is currently insufficient to determine the role of this variant in disease. Therefore, it has been classified as a Variant of Uncertain Significance. Advanced modeling of protein sequence and biophysical properties (such as structural, functional, and spatial information, amino acid conservation, physicochemical variation, residue mobility, and thermodynamic stability) performed at Invitae indicates that this missense variant is not expected to disrupt DYNC1H1 protein function. This variant has not been reported in the literature in individuals affected with DYNC1H1-related conditions. This variant is not present in population databases (gnomAD no frequency). This sequence change replaces leucine, which is neutral and non-polar, with valine, which is neutral and non-polar, at codon 1408 of the DYNC1H1 protein (p.Leu1408Val).